The following is an entry in ClinVar:

ClinVar aggregate classification (germline): Benign. Review status: criteria provided, multiple submitters, no conflicts (2 of 4 stars). 2 submissions from 2 submitters: Benign (2). Last evaluated 2023-11-12.

Allele frequency attached by ClinVar (database versions not stated): 1000 Genomes Project 30x 0.50422; 1000 Genomes Project 0.51058; gnomAD 0.54195 and 0.54587; gnomAD exomes 0.58975.

Submissions (2):

Unidad de Genómica Garrahan, Hospital de Pediatría Garrahan
Classification: Benign. Last evaluated: 2023-11-12. Review status: criteria provided, single submitter. Criteria: ACMG Guidelines, 2015. Collection method: clinical testing. Allele origin: germline. Affected: no. Observed: 51 variant alleles.
Comment: This variant is classified as Benign based on local population frequency. This variant was detected in 53% of patients studied by a panel of primary immunodeficiencies. Number of patients: 51. Only high quality variants are reported.

GeneDx
Classification: Benign. Last evaluated: 2021-05-14. Review status: criteria provided, single submitter. Criteria: GeneDx Variant Classification Process June 2021. Collection method: clinical testing. Allele origin: germline. Affected: yes.

NM_002661.5(PLCG2):c.565-83_565-82insT

Gene: PLCG2 (phospholipase C gamma 2; plus strand). Cytogenetic location: 16q23.3.
Variant type: Insertion.
Coding change: c.565-83_565-82insT on transcript NM_002661.5 (MANE Select); 83 bases into the intron before coding-DNA position 565 through 82 bases into the intron before coding-DNA position 565, T inserted.
Molecular consequence: intron variant.
Genome position: GRCh38 VCF-style: chr16-81870769-A-AT. GRCh37 (hg19) VCF-style: chr16-81904374-A-AT.
Identifiers: ClinVar variation 1282928 (VCV001282928.3), dbSNP rs146168517, ClinGen allele CA285188726.